The following is an entry in ClinVar:

ClinVar aggregate classification (germline): Pathogenic. Review status: criteria provided, multiple submitters, no conflicts (2 of 4 stars). 3 submissions from 3 submitters: Pathogenic (2). 1 of the submissions does not count toward it. Last evaluated 2022-11-08.

Conditions:
Glycine encephalopathy 1 (GCE1). Identifiers: MedGen CN376801, MONDO:0958179, OMIM 605899.
Glycine encephalopathy. Also called: Non-ketotic hyperglycinemia; Nonketotic hyperglycinemia. Identifiers: Orphanet 407, MedGen C0751748, MONDO:0011612, HP:0008288.

Allele frequency attached by ClinVar (database versions not stated): TOPMed below 0.00001; gnomAD 0.00001.
gnomAD v4.1: 2 of 1,613,546 alleles (0.00012%); highest among the groups gnomAD compares: African/African-American, 0.0027%; no homozygotes.

Submissions (3):

Labcorp Genetics (formerly Invitae), Labcorp
Classification: Pathogenic for Glycine encephalopathy. Last evaluated: 2022-11-08. Review status: criteria provided, single submitter. Criteria: Invitae Variant Classification Sherloc (09022015). Collection method: clinical testing. Allele origin: germline.
Comment: For these reasons, this variant has been classified as Pathogenic. ClinVar contains an entry for this variant (Variation ID: 553781). This premature translational stop signal has been observed in individual(s) with clinical features of nonketotic hyperglycinemia (PMID: 27362913). This variant is not present in population databases (gnomAD no frequency). This sequence change creates a premature translational stop signal (p.Glu575*) in the GLDC gene. It is expected to result in an absent or disrupted protein product. Loss-of-function variants in GLDC are known to be pathogenic (PMID: 16601880).

GeneDx
Classification: Pathogenic. Last evaluated: 2018-09-05. Review status: criteria provided, single submitter. Criteria: GeneDx Variant Classification (06012015). Collection method: clinical testing. Allele origin: germline. Affected: yes.
Comment: The E575X variant in the GLDC gene has been reported previously, in the compound heterozygous state along with a missense variant, in an individual with a suspected diagnosis of nonketotic hyperglycinemia (Coughlin et al., 2017). This variant is predicted to cause loss of normal protein function either through protein truncation or nonsense-mediated mRNA decay. The E575X variant is not observed in large population cohorts (Lek et al., 2016). We interpret E575X as a pathogenic variant.

Counsyl
Classification: Likely pathogenic for Glycine encephalopathy 1. Last evaluated: 2017-11-14. Review status: no assertion criteria provided. Collection method: clinical testing. Allele origin: unknown. Not counted in ClinVar's aggregate classification.

Literature cited by the submitters: PubMed 27362913 (cited by Labcorp Genetics (formerly Invitae), Labcorp and Counsyl); PubMed 16601880 (cited by Labcorp Genetics (formerly Invitae), Labcorp).

NM_000170.3(GLDC):c.1723G>T (p.Glu575Ter)

Gene: GLDC (glycine decarboxylase; minus strand). Cytogenetic location: 9p24.1.
Variant type: single nucleotide variant.
Coding change: c.1723G>T on transcript NM_000170.3 (MANE Select); coding-DNA position 1723, G replaced by T.
Protein change: p.Glu575Ter; replaces glutamic acid 575 with a stop codon.
Molecular consequence: nonsense.
Genome position (GRCh38, 1-based): chr9:6,587,268, C>A on the plus strand (G>T on the coding strand, the complement: GLDC is on the minus strand). VCF-style: chr9-6587268-C-A. GRCh37 (hg19) VCF-style: chr9-6587268-C-A.
Other names: short protein forms E575*.
Identifiers: ClinVar variation 553781 (VCV000553781.10), dbSNP rs1554646529, ClinGen allele CA372891848.